The following is an entry in ClinVar:

ClinVar aggregate classification (germline): Benign. Review status: criteria provided, multiple submitters, no conflicts (2 of 4 stars). 5 submissions from 3 submitters: Benign (5). Last evaluated 2021-08-10.

Conditions:
Dilated cardiomyopathy 1J (CMD1J). Also called: CARDIOMYOPATHY, DILATED, WITH SENSORINEURAL HEARING LOSS, AUTOSOMAL DOMINANT. Identifiers: Orphanet 217622, MedGen C1854368, MONDO:0011541, OMIM 605362.
Autosomal dominant nonsyndromic hearing loss 10. Identifiers: Orphanet 90635, MedGen C1832476, MONDO:0011031, OMIM 601316.

Allele frequency attached by ClinVar (database versions not stated): ESP Exome Variant Server 0.33269; gnomAD 0.35809 and 0.37081; TOPMed 0.36872; gnomAD exomes 0.40473 and 0.44266; ExAC 0.43431; 1000 Genomes Project 30x 0.45815; 1000 Genomes Project 0.47105.
gnomAD v4.1: 648,231 of 1,611,484 alleles (40%); highest among the groups gnomAD compares: East Asian, 64%; 136,321 homozygotes.

Submissions (5):

Genome-Nilou Lab
Classification: Benign for Autosomal dominant nonsyndromic hearing loss 10. Last evaluated: 2021-08-10. Review status: criteria provided, single submitter. Criteria: ACMG Guidelines, 2015. Collection method: clinical testing. Allele origin: germline. Affected: no.

Genome-Nilou Lab
Classification: Benign for Dilated cardiomyopathy 1J. Last evaluated: 2021-08-10. Review status: criteria provided, single submitter. Criteria: ACMG Guidelines, 2015. Collection method: clinical testing. Allele origin: germline. Affected: no.

GeneDx
Classification: Benign. Last evaluated: 2018-06-24. Review status: criteria provided, single submitter. Criteria: GeneDx Variant Classification Process June 2021. Collection method: clinical testing. Allele origin: germline. Affected: yes.

Illumina Laboratory Services, Illumina
Classification: Benign for Autosomal dominant nonsyndromic hearing loss 10. Last evaluated: 2018-01-13. Review status: criteria provided, single submitter. Criteria: ICSL Variant Classification Criteria 13 December 2019. Collection method: clinical testing. Allele origin: germline.
Comment: This variant was observed in the ICSL laboratory as part of a predisposition screen in an ostensibly healthy population. It had not been previously curated by ICSL or reported in the Human Gene Mutation Database (HGMD: prior to June 1st, 2018), and was therefore a candidate for classification through an automated scoring system. Utilizing variant allele frequency, disease prevalence and penetrance estimates, and inheritance mode, an automated score was calculated to assess if this variant is too frequent to cause the disease. Based on the score and internal cut-off values, a variant classified as benign is not then subjected to further curation. The score for this variant resulted in a classification of benign for this disease.

Illumina Laboratory Services, Illumina
Classification: Benign for Dilated cardiomyopathy 1J. Last evaluated: 2018-01-13. Review status: criteria provided, single submitter. Criteria: ICSL Variant Classification Criteria 13 December 2019. Collection method: clinical testing. Allele origin: germline.
Comment: the same text as in the submission from Illumina Laboratory Services, Illumina above.

NM_004100.5(EYA4):c.*23C>T

Genes: EYA4 (EYA transcriptional coactivator and phosphatase 4; plus strand), TARID (TCF21 antisense RNA inducing promoter demethylation; minus strand). Cytogenetic location: 6q23.2.
Variant type: single nucleotide variant.
Coding change: c.*23C>T on transcript NM_004100.5 (MANE Select); 23 bases downstream of the stop codon, C replaced by T.
Molecular consequence: 3 prime UTR variant.
Genome position (GRCh38, 1-based): chr6:133,528,828, C>T. VCF-style: chr6-133528828-C-T. GRCh37 (hg19) VCF-style: chr6-133849966-C-T.
Other names: c.*23C>T (NM_001301012.2, NM_001301013.2, NM_001370458.1 and 3 more transcripts).
Identifiers: ClinVar variation 355448 (VCV000355448.8), dbSNP rs3734279, ClinGen allele CA4008520.